The following is an entry in ClinVar:

NM_004336.5(BUB1):c.386A>T (p.Gln129Leu)

Gene: BUB1 (BUB1 mitotic checkpoint serine/threonine kinase; minus strand). Cytogenetic location: 2q13.
Variant type: single nucleotide variant.
Coding change: c.386A>T on transcript NM_004336.5 (MANE Select); coding-DNA position 386, A replaced by T.
Protein change: p.Gln129Leu; replaces glutamine 129 with leucine.
Molecular consequence: missense variant.
Genome position (GRCh38, 1-based): chr2:110,672,697, T>A on the plus strand (A>T on the coding strand, the complement: BUB1 is on the minus strand). VCF-style: chr2-110672697-T-A. GRCh37 (hg19) VCF-style: chr2-111430274-T-A.
Other names: c.326A>T, p.Gln109Leu (NM_001278616.2); c.386A>T, p.Gln129Leu (NM_001278617.2); short protein forms Q129L, Q109L.
Identifiers: ClinVar variation 2565777 (VCV002565777.2), dbSNP rs188663063, ClinGen allele CA53544351.

ClinVar aggregate classification (germline): Uncertain significance (1 of 4 stars; one submission).

Allele frequency attached by ClinVar (database versions not stated): gnomAD 0.00001; TOPMed 0.00001; 1000 Genomes Project 30x 0.00016.
gnomAD v4.1: 1 of 1,607,912 alleles (0.000062%); highest among the groups gnomAD compares: East Asian, 0.0022%; no homozygotes.

Submission:

Ambry Genetics
Classification: Uncertain significance. Last evaluated: 2023-03-17. Review status: criteria provided, single submitter. Criteria: Ambry Variant Classification Scheme 2023. Collection method: clinical testing. Allele origin: germline.
Comment: The p.Q129L variant (also known as c.386A>T), located in coding exon 4 of the BUB1 gene, results from an A to T substitution at nucleotide position 386. The glutamine at codon 129 is replaced by leucine, an amino acid with dissimilar properties. This amino acid position is conserved. In addition, this alteration is predicted to be tolerated by in silico analysis. Since supporting evidence is limited at this time, the clinical significance of this alteration remains unclear.